The following is an entry in ClinVar:

ClinVar aggregate classification (germline): Likely benign (0 of 4 stars; one submission).

Conditions:
LRP1-related disorder. Also called: LRP1-related condition.

Allele frequency attached by ClinVar (database versions not stated): gnomAD exomes 0.00002; TOPMed 0.00002; ExAC 0.00003; gnomAD 0.00003.
gnomAD v4.1: 28 of 1,611,006 alleles (0.0017%); highest among the groups gnomAD compares: East Asian, 0.0045%; no homozygotes.

Submission:

PreventionGenetics, part of Exact Sciences
Classification: Likely benign for LRP1-related condition. Last evaluated: 2019-07-19. Review status: no assertion criteria provided. Collection method: clinical testing. Allele origin: germline.
Comment: This variant is classified as likely benign based on ACMG/AMP sequence variant interpretation guidelines (Richards et al. 2015 PMID: 25741868, with internal and published modifications).

NM_002332.3(LRP1):c.10764C>T (p.Ile3588=)

Gene: LRP1 (LDL receptor related protein 1; plus strand). Cytogenetic location: 12q13.3.
Variant type: single nucleotide variant.
Coding change: c.10764C>T on transcript NM_002332.3 (MANE Select); coding-DNA position 10764, C replaced by T.
Protein change: p.Ile3588=; no amino-acid change (isoleucine 3588 retained).
Molecular consequence: synonymous variant.
Genome position (GRCh38, 1-based): chr12:57,203,233, C>T. VCF-style: chr12-57203233-C-T. GRCh37 (hg19) VCF-style: chr12-57597016-C-T.
Identifiers: ClinVar variation 3050870 (VCV003050870.2), dbSNP rs764419797, ClinGen allele CA6645065.